The following is an entry in ClinVar:

ClinVar aggregate classification (germline): Pathogenic/Likely pathogenic. Review status: criteria provided, multiple submitters, no conflicts (2 of 4 stars). 3 submissions from 3 submitters: Pathogenic (1); Likely pathogenic (1). 1 of the submissions does not count toward it. Last evaluated 2024-09-12.

Conditions:
ABCA12-related disorder. Also called: ABCA12-related condition.
Lamellar ichthyosis. Identifiers: Orphanet 313, MedGen C5848247, MONDO:0017778.
Autosomal recessive congenital ichthyosis 4A (LI2). Also called: ICHTHYOSIS CONGENITA IIB. Identifiers: Orphanet 313, MedGen C1832550, MONDO:0011026, OMIM 601277.

Allele frequency attached by ClinVar (database versions not stated): gnomAD exomes below 0.00001; TOPMed below 0.00001; gnomAD 0.00001.
gnomAD v4.1: 5 of 1,613,806 alleles (0.00031%); highest among the groups gnomAD compares: African/African-American, 0.0027%; no homozygotes.

Submissions (3):

Women's Health and Genetics/Laboratory Corporation of America, LabCorp
Classification: Pathogenic for Lamellar ichthyosis. Last evaluated: 2024-09-12. Review status: criteria provided, single submitter. Criteria: LabCorp Variant Classification Summary - May 2015. Collection method: clinical testing. Allele origin: germline.
Comment: Variant summary: ABCA12 c.4541G>A (p.Arg1514His) results in a non-conservative amino acid change located in the ABC transporter-like, ATP-binding domain (IPR003439) of the encoded protein sequence. Five of five in-silico tools predict a damaging effect of the variant on protein function. The variant allele was found at a frequency of 4e-06 in 251174 control chromosomes (gnomAD). c.4541G>A has been reported in the literature in multiple individuals affected with Lamellar Ichthyosis (Lefevre_2003, Hellstrm Pigg_2016, Hake__2021, Hotz_2023). These data indicate that the variant is very likely to be associated with disease. To our knowledge, no experimental evidence demonstrating an impact on protein function has been reported. The following publications have been ascertained in the context of this evaluation (PMID: 34908195, 27025581, 36980989, 12915478). ClinVar contains an entry for this variant (Variation ID: 2857). Based on the evidence outlined above, the variant was classified as pathogenic.

PreventionGenetics, part of Exact Sciences
Classification: Likely pathogenic for ABCA12-related condition. Last evaluated: 2022-10-24. Review status: criteria provided, single submitter. Criteria: ACMG Guidelines, 2015. Collection method: clinical testing. Allele origin: germline.
Comment: The ABCA12 c.4541G>A variant is predicted to result in the amino acid substitution p.Arg1514His. This variant was reported in the homozygous and compound heterozygous states in individuals with lamellar ichthyosis type 2 (Lefevre et al. 2003. PubMed ID: 12915478; Pigg et al. 2016. PubMed ID: 27025581). This variant is reported in 0.0062% of alleles in individuals of African descent in gnomAD. Taken together, this variant is interpreted as likely pathogenic.

OMIM
Classification: Pathogenic for ICHTHYOSIS, CONGENITAL, AUTOSOMAL RECESSIVE 4A. Last evaluated: 2003-09-15. Review status: no assertion criteria provided. Collection method: literature only. Allele origin: germline. Not counted in ClinVar's aggregate classification.

Literature cited by the submitters: PubMed 27025581 (cited by Women's Health and Genetics/Laboratory Corporation of America, LabCorp); PubMed 34908195 (cited by Women's Health and Genetics/Laboratory Corporation of America, LabCorp); PubMed 36980989 (cited by Women's Health and Genetics/Laboratory Corporation of America, LabCorp); PubMed 12915478 (cited by Women's Health and Genetics/Laboratory Corporation of America, LabCorp and OMIM).

NM_173076.3(ABCA12):c.4541G>A (p.Arg1514His)

Gene: ABCA12 (ATP binding cassette subfamily A member 12; minus strand). Cytogenetic location: 2q35.
Variant type: single nucleotide variant.
Coding change: c.4541G>A on transcript NM_173076.3 (MANE Select); coding-DNA position 4541, G replaced by A.
Protein change: p.Arg1514His; replaces arginine 1514 with histidine.
Molecular consequence: missense variant. On other transcripts: non-coding transcript variant (1).
Genome position (GRCh38, 1-based): chr2:214,982,225, C>T on the plus strand (G>A on the coding strand, the complement: ABCA12 is on the minus strand). VCF-style: chr2-214982225-C-T. GRCh37 (hg19) VCF-style: chr2-215846949-C-T.
Other names: c.3587G>A, p.Arg1196His (NM_015657.4); c.4541G>A (NM_173076.2); short protein forms R1514H, R1196H.
Identifiers: ClinVar variation 2857 (VCV000002857.3), dbSNP rs28940270, ClinGen allele CA252477.
Genomic context (GRCh38, chr2:214,982,225, plus strand): 5'-AGTTCTGAGAAACTACTCATACCAGTTTTGTTCTTGGATATAACATCCCATATACTTCGG[C>T]GAGAACATGGGTCAACTCCAGTAGATGGTTCATCCAAAATTACTACCCTTGATCCACCAA-3'
Protein context (NP_775099.2, residues 1504-1524): EPSTGVDPCS[Arg1514His]RSIWDVISKN